The following is an entry in ClinVar:

NM_002880.4(RAF1):c.1716G>C (p.Lys572Asn)

Gene: RAF1 (Raf-1 proto-oncogene, serine/threonine kinase; minus strand). Cytogenetic location: 3p25.2.
Variant type: single nucleotide variant.
Coding change: c.1716G>C on transcript NM_002880.4 (MANE Select); coding-DNA position 1716, G replaced by C.
Protein change: p.Lys572Asn; replaces lysine 572 with asparagine.
Molecular consequence: missense variant. On other transcripts: non-coding transcript variant (3).
Genome position (GRCh38, 1-based): chr3:12,584,934, C>G on the plus strand (G>C on the coding strand, the complement: RAF1 is on the minus strand). VCF-style: chr3-12584934-C-G. GRCh37 (hg19) VCF-style: chr3-12626433-C-G.
Other names: c.1776G>C, p.Lys592Asn (NM_001354689.3); c.1716G>C, p.Lys572Asn (NM_001354690.3); c.1473G>C, p.Lys491Asn (NM_001354691.3, NM_001354692.3); c.1617G>C, p.Lys539Asn (NM_001354693.3); c.1533G>C, p.Lys511Asn (NM_001354694.3); c.1374G>C, p.Lys458Asn (NM_001354695.3); short protein forms K458N, K491N, K511N, K539N, K572N, K592N.
Identifiers: ClinVar variation 4801587 (VCV004801587.1).
Genomic context (GRCh38, chr3:12,584,934, plus strand): 5'-TACTTTCTTCACACAGTCAGCTACCAGCCTCTTCATTGCTTTGGGGCAGTTCTTATATAG[C>G]TTACTAAGATCTGGGGAGGCATATCCTCGGCCCACCATGAAGATGATCTAAGGGAAAGAA-3'
Protein context (NP_002871.1, residues 562-582): GRGYASPDLS[Lys572Asn]LYKNCPKAMK

ClinVar aggregate classification (germline): Uncertain significance (1 of 4 stars; one submission).

Conditions:
RASopathy. Also called: rasopathies; Noonan spectrum disorder. Identifiers: Orphanet 536391, MedGen C5555857, MONDO:0021060.

gnomAD v4.1: 3 of 1,614,068 alleles (0.00019%); highest among the groups gnomAD compares: African/African-American, 0.0013%; no homozygotes.

Submission:

Labcorp Genetics (formerly Invitae), Labcorp
Classification: Uncertain significance for RASopathy. Last evaluated: 2025-09-02. Review status: criteria provided, single submitter. Criteria: Invitae Variant Classification Sherloc (09022015). Collection method: clinical testing. Allele origin: germline.
Comment: This sequence change replaces lysine, which is basic and polar, with asparagine, which is neutral and polar, at codon 572 of the RAF1 protein (p.Lys572Asn). This variant is present in population databases (rs374044897, gnomAD 0.008%). This variant has not been reported in the literature in individuals affected with RAF1-related conditions. Invitae Evidence Modeling of protein sequence and biophysical properties (such as structural, functional, and spatial information, amino acid conservation, physicochemical variation, residue mobility, and thermodynamic stability) indicates that this missense variant is expected to disrupt RAF1 protein function with a positive predictive value of 95%. In summary, the available evidence is currently insufficient to determine the role of this variant in disease. Therefore, it has been classified as a Variant of Uncertain Significance.